The following is an entry in ClinVar:

ClinVar aggregate classification (germline): Uncertain significance (1 of 4 stars; one submission).

gnomAD v4.1: 1 of 1,614,076 alleles (0.000062%); highest among the groups gnomAD compares: Non-Finnish European, 0.000085%; no homozygotes.

Submission:

Labcorp Genetics (formerly Invitae), Labcorp
Classification: Uncertain significance. Last evaluated: 2024-04-25. Review status: criteria provided, single submitter. Criteria: Invitae Variant Classification Sherloc (09022015). Collection method: clinical testing. Allele origin: germline.
Comment: This sequence change replaces isoleucine, which is neutral and non-polar, with threonine, which is neutral and polar, at codon 1083 of the LRP6 protein (p.Ile1083Thr). This variant is not present in population databases (gnomAD no frequency). This variant has not been reported in the literature in individuals affected with LRP6-related conditions. Advanced modeling of protein sequence and biophysical properties (such as structural, functional, and spatial information, amino acid conservation, physicochemical variation, residue mobility, and thermodynamic stability) performed at Invitae indicates that this missense variant is expected to disrupt LRP6 protein function with a positive predictive value of 80%. In summary, the available evidence is currently insufficient to determine the role of this variant in disease. Therefore, it has been classified as a Variant of Uncertain Significance.

NM_002336.3(LRP6):c.3248T>C (p.Ile1083Thr)

Gene: LRP6 (LDL receptor related protein 6; minus strand). Cytogenetic location: 12p13.2.
Variant type: single nucleotide variant.
Coding change: c.3248T>C on transcript NM_002336.3 (MANE Select); coding-DNA position 3248, T replaced by C.
Protein change: p.Ile1083Thr; replaces isoleucine 1083 with threonine.
Molecular consequence: missense variant. On other transcripts: non-coding transcript variant (1).
Genome position (GRCh38, 1-based): chr12:12,147,515, A>G on the plus strand (T>C on the coding strand, the complement: LRP6 is on the minus strand). VCF-style: chr12-12147515-A-G. GRCh37 (hg19) VCF-style: chr12-12300449-A-G.
Other names: c.3248T>C, p.Ile1083Thr (NM_001414250.1, NM_001414251.1, NM_001414244.1 and 4 more transcripts); c.2795T>C, p.Ile932Thr (NM_001414252.1, NM_001414253.1, NM_001414254.1); c.2741T>C, p.Ile914Thr (NM_001414255.1); c.3050T>C, p.Ile1017Thr (NM_001414247.1); short protein forms I1017T, I914T, I932T, I1083T.
Identifiers: ClinVar variation 3651072 (VCV003651072.2).
Genomic context (GRCh38, chr12:12,147,515, plus strand): 5'-TTACTTAAGCCACTGAAAAAGAGGACCTCCCGTTCTGTCCCATCCAAAGCAGCCCGTTCA[A>G]TTTTAGGAGACCTTTCCTGAAGATTGGTAAAATACATATACCTAGAGGGAAAGGAGGAAA-3'
Protein context (NP_002327.2, residues 1073-1093): FTNLQERSPK[Ile1083Thr]ERAALDGTER